The following is an entry in ClinVar:

ClinVar aggregate classification (germline): Uncertain significance (1 of 4 stars; one submission).

Allele frequency attached by ClinVar (database versions not stated): gnomAD 0.00004 and 0.00005; gnomAD exomes 0.00004 and 0.00005; ExAC 0.00005; TOPMed 0.00006.

Submission:

GeneDx
Classification: Uncertain significance. Last evaluated: 2024-10-15. Review status: criteria provided, single submitter. Criteria: GeneDx Variant Classification Process June 2021. Collection method: clinical testing. Allele origin: germline. Affected: yes.
Comment: In silico analysis supports that this missense variant has a deleterious effect on protein structure/function; This variant is associated with the following publications: (PMID: 35975723)

NM_022834.5(VWA1):c.212T>C (p.Leu71Pro)

Gene: VWA1 (von Willebrand factor A domain containing 1; plus strand). Cytogenetic location: 1p36.33.
Variant type: single nucleotide variant.
Coding change: c.212T>C on transcript NM_022834.5 (MANE Select); coding-DNA position 212, T replaced by C.
Protein change: p.Leu71Pro; replaces leucine 71 with proline.
Molecular consequence: missense variant. On other transcripts: intron variant (1).
Genome position (GRCh38, 1-based): chr1:1,437,065, T>C. VCF-style: chr1-1437065-T-C. GRCh37 (hg19) VCF-style: chr1-1372445-T-C.
Other names: c.74-257T>C (NM_199121.3); short protein forms L71P.
Identifiers: ClinVar variation 1695698 (VCV001695698.3), dbSNP rs747475277, ClinGen allele CA523062.